The following is an entry in ClinVar:

NM_175875.5(SIX5):c.577C>T (p.Pro193Ser)

Genes: DM1-AS (DM1 locus antisense RNA; plus strand), SIX5 (SIX homeobox 5; minus strand), LOC107075317 (origin of replication in DMPK trinucleotide repeat region; plus strand). Cytogenetic location: 19q13.32.
Variant type: single nucleotide variant.
Coding change: c.577C>T on transcript NM_175875.5 (MANE Select); coding-DNA position 577, C replaced by T.
Protein change: p.Pro193Ser; replaces proline 193 with serine.
Molecular consequence: missense variant.
Genome position (GRCh38, 1-based): chr19:45,768,268, G>A on the plus strand (C>T on the coding strand, the complement: SIX5 is on the minus strand). VCF-style: chr19-45768268-G-A. GRCh37 (hg19) VCF-style: chr19-46271526-G-A.
Other names: short protein forms P193S.
Identifiers: ClinVar variation 4874380 (VCV004874380.2).
Genomic context (GRCh38, chr19:45,768,268, plus strand): 5'-GGGAGCGCTCCTTGAAGCAGTAGACTGTCTCCTCGCCGTCCCAGATGGTCTTGGGCAGCG[G>A]GAACTTCTTGCGCAGTCGATACTTGTCCACTGCGCCAAGCGCGCGGCCGCGGGCCCGCTC-3'
Protein context (NP_787071.3, residues 183-203): VDKYRLRKKF[Pro193Ser]LPKTIWDGEE

ClinVar aggregate classification (germline): Uncertain significance (1 of 4 stars; one submission).

Submission:

CeGaT Center for Human Genetics Tuebingen
Classification: Uncertain significance. Last evaluated: 2026-04-01. Review status: criteria provided, single submitter. Criteria: CeGaT Center For Human Genetics Tuebingen Variant Classification Criteria Version 2. Collection method: clinical testing. Allele origin: germline. Affected: yes. Observed: 1 variant allele.
Comment: SIX5: PP3